The following is an entry in ClinVar:

ClinVar aggregate classification (germline): Uncertain significance (1 of 4 stars; one submission).

Allele frequency attached by ClinVar (database versions not stated): gnomAD exomes 0.00001; gnomAD 0.00003; TOPMed 0.00006; ExAC 0.00007.
gnomAD v4.1: 18 of 1,612,034 alleles (0.0011%); highest among the groups gnomAD compares: East Asian, 0.038%; no homozygotes.

Submission:

Ambry Genetics
Classification: Uncertain significance. Last evaluated: 2023-01-10. Review status: criteria provided, single submitter. Criteria: Ambry Variant Classification Scheme 2023. Collection method: clinical testing. Allele origin: germline.
Comment: Does not currently meet published gene-disease clinical validity criteria Based on insufficient or conflicting evidence, the clinical significance of this alteration remains unclear.

Literature cited by the submitters: PubMed 28106320.

NM_015135.3(NUP205):c.974T>A (p.Leu325His)

Gene: NUP205 (nucleoporin 205; plus strand). Cytogenetic location: 7q33.
Variant type: single nucleotide variant.
Coding change: c.974T>A on transcript NM_015135.3 (MANE Select); coding-DNA position 974, T replaced by A.
Protein change: p.Leu325His; replaces leucine 325 with histidine.
Molecular consequence: missense variant. On other transcripts: 5 prime UTR variant (1).
Genome position (GRCh38, 1-based): chr7:135,578,847, T>A. VCF-style: chr7-135578847-T-A. GRCh37 (hg19) VCF-style: chr7-135263595-T-A.
Other names: c.-112T>A (NM_001329434.2); short protein forms L325H.
Identifiers: ClinVar variation 2469183 (VCV002469183.2), dbSNP rs767444387, ClinGen allele CA4497978.